The following is an entry in ClinVar:

NM_001267550.2(TTN):c.32652C>T (p.His10884=)

Gene: TTN (titin; minus strand). Cytogenetic location: 2q31.2.
Variant type: single nucleotide variant.
Coding change: c.32652C>T on transcript NM_001267550.2 (MANE Select); coding-DNA position 32652, C replaced by T.
Protein change: p.His10884=; no amino-acid change (histidine 10884 retained).
Molecular consequence: synonymous variant. On other transcripts: intron variant (3).
Genome position (GRCh38, 1-based): chr2:178,684,400, G>A on the plus strand (C>T on the coding strand, the complement: TTN is on the minus strand). VCF-style: chr2-178684400-G-A. GRCh37 (hg19) VCF-style: chr2-179549127-G-A.
Other names: c.31701C>T, p.His10567= (NM_001256850.1); c.28920C>T, p.His9640= (NM_133378.4); c.13283-42083C>T (NM_003319.4); c.13859-42083C>T (NM_133437.4); c.13658-42083C>T (NM_133432.3).
Identifiers: ClinVar variation 1155871 (VCV001155871.36), dbSNP rs369173027, ClinGen allele CA1998566.

ClinVar aggregate classification (germline): Likely benign. Review status: criteria provided, multiple submitters, no conflicts (2 of 4 stars). 4 submissions from 4 submitters: Likely benign (4). Last evaluated 2025-10-22.

Conditions:
Dilated cardiomyopathy 1G (CMD1G). Identifiers: Orphanet 154, MedGen C1858763, MONDO:0011400, OMIM 604145.
Autosomal recessive limb-girdle muscular dystrophy type 2J (LGMDR10). Also called: MUSCULAR DYSTROPHY, LIMB-GIRDLE, AUTOSOMAL RECESSIVE 10; Limb-girdle muscular dystrophy, type 2J. Identifiers: Orphanet 140922, MedGen C1837342, MONDO:0012127, OMIM 608807.

Allele frequency attached by ClinVar (database versions not stated): ExAC 0.00001; gnomAD 0.00001; gnomAD exomes 0.00001 and 0.00004; TOPMed 0.00002; ESP Exome Variant Server 0.00008.
gnomAD v4.1: 66 of 1,613,366 alleles (0.0041%); highest among the groups gnomAD compares: Non-Finnish European, 0.0052%; no homozygotes.

Submissions (4):

Labcorp Genetics (formerly Invitae), Labcorp
Classification: Likely benign for Dilated cardiomyopathy 1G; Autosomal recessive limb-girdle muscular dystrophy type 2J. Last evaluated: 2025-10-22. Review status: criteria provided, single submitter. Criteria: Invitae Variant Classification Sherloc (09022015). Collection method: clinical testing. Allele origin: germline.

Molecular Diagnostic Laboratory for Inherited Cardiovascular Disease, Montreal Heart Institute
Classification: Likely benign. Last evaluated: 2025-04-09. Review status: criteria provided, single submitter. Criteria: ACMG Guidelines, 2015. Collection method: clinical testing. Allele origin: germline. Affected: no.

CeGaT Center for Human Genetics Tuebingen
Classification: Likely benign. Last evaluated: 2023-10-01. Review status: criteria provided, single submitter. Criteria: CeGaT Center For Human Genetics Tuebingen Variant Classification Criteria Version 2. Collection method: clinical testing. Allele origin: germline. Affected: yes. Observed: 3 variant alleles.
Comment: TTN: BP4, BP7

Blueprint Genetics
Classification: Likely benign. Last evaluated: 2021-11-18. Review status: criteria provided, single submitter. Criteria: ACMG Guidelines, 2015. Collection method: clinical testing. Allele origin: germline.